The following is an entry in ClinVar:

NM_007215.4(POLG2):c.417A>G (p.Leu139=)

Genes: MILR1 (mast cell immunoglobulin like receptor 1; plus strand), POLG2 (DNA polymerase gamma 2, accessory subunit; minus strand). Cytogenetic location: 17q23.3.
Variant type: single nucleotide variant.
Coding change: c.417A>G on transcript NM_007215.4 (MANE Select); coding-DNA position 417, A replaced by G.
Protein change: p.Leu139=; no amino-acid change (leucine 139 retained).
Molecular consequence: synonymous variant.
Genome position (GRCh38, 1-based): chr17:64,496,552, T>C on the plus strand (A>G on the coding strand, the complement: POLG2 is on the minus strand). VCF-style: chr17-64496552-T-C. GRCh37 (hg19) VCF-style: chr17-62492670-T-C.
Identifiers: ClinVar variation 507083 (VCV000507083.11), dbSNP rs1555669550, ClinGen allele CA501686604.
Genomic context (GRCh38, chr17:64,496,552, plus strand): 5'-GTCTTGCAAGATTTCGCGTAGAGTTTCTGCAGAAACTAACCTGAAGGCACTGTCCCCGGG[T>C]AGCAAAGGGCCTGGTTTGTGGTGGAGGGCGTCCACCGGGAATACCTGCTCCCTGAACACC-3'
Protein context (NP_009146.2, residues 129-149): DALHHKPGPL[Leu139=]PGDSAFRLVS

ClinVar aggregate classification (germline): Conflicting classifications of pathogenicity. Review status: criteria provided, conflicting classifications (1 of 4 stars). 3 submissions from 3 submitters: Uncertain significance (1); Likely benign (2). Last evaluated 2022-06-21.

gnomAD v4.1: 1 of 1,613,108 alleles (0.000062%); highest among the groups gnomAD compares: Non-Finnish European, 0.000085%; no homozygotes.

Submissions (3):

Revvity Omics, Revvity
Classification: Uncertain significance. Last evaluated: 2022-06-21. Review status: criteria provided, single submitter. Criteria: ACMG Guidelines, 2015. Collection method: clinical testing. Allele origin: germline.

Labcorp Genetics (formerly Invitae), Labcorp
Classification: Likely benign. Last evaluated: 2022-01-31. Review status: criteria provided, single submitter. Criteria: Invitae Variant Classification Sherloc (09022015). Collection method: clinical testing. Allele origin: germline.

GeneDx
Classification: Likely benign. Last evaluated: 2017-02-01. Review status: criteria provided, single submitter. Criteria: GeneDx Variant Classification (06012015). Collection method: clinical testing. Allele origin: germline. Affected: yes.
Comment: This variant is considered likely benign or benign based on one or more of the following criteria: it is a conservative change, it occurs at a poorly conserved position in the protein, it is predicted to be benign by multiple in silico algorithms, and/or has population frequency not consistent with disease.